The following is an entry in ClinVar:

NM_000059.4(BRCA2):c.333T>C (p.Asn111=)

Gene: BRCA2 (BRCA2 DNA repair associated; plus strand). Cytogenetic location: 13q13.1.
Variant type: single nucleotide variant.
Coding change: c.333T>C on transcript NM_000059.4 (MANE Select); coding-DNA position 333, T replaced by C.
Protein change: p.Asn111=; no amino-acid change (asparagine 111 retained).
Molecular consequence: synonymous variant.
Genome position (GRCh38, 1-based): chr13:32,325,092, T>C. VCF-style: chr13-32325092-T-C. GRCh37 (hg19) VCF-style: chr13-32899229-T-C.
Identifiers: ClinVar variation 225733 (VCV000225733.18), dbSNP rs869320790, ClinGen allele CA10576060.
Genomic context (GRCh38, chr13:32,325,092, plus strand): 5'-ATCCAGAGTATATACATTCTCACTGAATTATTGTACTGTTTCAGGAAGGAATGTTCCCAA[T>C]AGTAGACATAAAAGTCTTCGCACAGTGAAAACTAAAATGGATCAAGCAGATGATGTTTCC-3'
Protein context (NP_000050.3, residues 101-121): FKLDLGRNVP[Asn111=]SRHKSLRTVK

ClinVar aggregate classification (germline): Likely benign. Review status: reviewed by expert panel (3 of 4 stars). 7 submissions from 7 submitters: Likely benign (1). 6 of the submissions do not count toward it. Last evaluated 2017-06-29.

Conditions:
Hereditary cancer-predisposing syndrome. Also called: Tumor predisposition; Neoplastic Syndromes, Hereditary; Hereditary neoplastic syndrome; Hereditary Cancer Syndrome. Identifiers: Orphanet 140162, MedGen C0027672, MeSH D009386, MONDO:0015356.
Breast-ovarian cancer, familial, susceptibility to, 2 (BROVCA2). Also called: BRCA2 Hereditary Breast and Ovarian Cancer. Identifiers: Orphanet 145, MedGen C2675520, MONDO:0012933, OMIM 612555. Disease mechanism: loss of function.
Hereditary breast ovarian cancer syndrome. Also called: Hereditary breast and/or ovarian cancer syndrome; Hereditary breast and ovarian cancer syndrome (HBOC); Breast and ovarian cancer; Hereditary breast and ovarian cancer; BRCA1- and BRCA2-Associated Hereditary Breast and Ovarian Cancer; Hereditary breast and ovarian cancer syndrome. Identifiers: Orphanet 145, MedGen C0677776, MeSH D061325, MONDO:0003582. Disease mechanism: loss of function.

Submissions (7):

Evidence-based Network for the Interpretation of Germline Mutant Alleles (ENIGMA)
Classification: Likely benign for Breast-ovarian cancer, familial, susceptibility to, 2. Last evaluated: 2017-06-29. Review status: reviewed by expert panel. Criteria: ENIGMA BRCA1/2 Classification Criteria (2017-06-29). Collection method: curation. Allele origin: germline.
Comment: Synonymous substitution variant, with low bioinformatic likelihood to result in a splicing aberration (Splicing prior probability 0.02).

Labcorp Genetics (formerly Invitae), Labcorp
Classification: Likely benign for Hereditary breast ovarian cancer syndrome. Last evaluated: 2025-12-08. Review status: criteria provided, single submitter. Criteria: Invitae Variant Classification Sherloc (09022015). Collection method: clinical testing. Allele origin: germline. Not counted in ClinVar's aggregate classification.

All of Us Research Program, National Institutes of Health
Classification: Likely benign for Breast-ovarian cancer, familial, susceptibility to, 2. Last evaluated: 2023-07-22. Review status: criteria provided, single submitter. Criteria: ACMG Guidelines, 2015. Collection method: clinical testing. Allele origin: germline. Inheritance: Autosomal dominant inheritance. Observed: 1 variant allele, 1 heterozygote. Not counted in ClinVar's aggregate classification.
Comment: This study involves interpretation of variants in research participants for the purpose of population health screening. Participant phenotype was not available at the time of variant classification. Additional details can be found in publication PMID: 35346344, PMCID: PMC8962531

Color Diagnostics, LLC DBA Color Health
Classification: Likely benign for Hereditary cancer-predisposing syndrome. Last evaluated: 2019-04-30. Review status: criteria provided, single submitter. Criteria: ACMG Guidelines, 2015. Collection method: clinical testing. Allele origin: germline. Not counted in ClinVar's aggregate classification.

Ambry Genetics
Classification: Likely benign for Hereditary cancer-predisposing syndrome. Last evaluated: 2017-10-09. Review status: criteria provided, single submitter. Criteria: Ambry Variant Classification Scheme 2023. Collection method: clinical testing. Allele origin: germline. Not counted in ClinVar's aggregate classification.

GeneDx
Classification: Likely benign. Last evaluated: 2017-03-07. Review status: criteria provided, single submitter. Criteria: GeneDx Variant Classification (06012015). Collection method: clinical testing. Allele origin: germline. Affected: yes. Not counted in ClinVar's aggregate classification.
Comment: This variant is considered likely benign or benign based on one or more of the following criteria: it is a conservative change, it occurs at a poorly conserved position in the protein, it is predicted to be benign by multiple in silico algorithms, and/or has population frequency not consistent with disease.

Molecular Genetics Laboratory, University of Michigan
Classification: Likely benign for Breast-ovarian cancer, familial, susceptibility to, 2. Last evaluated: 2016-04-21. Review status: criteria provided, single submitter. Criteria: ACMG Guidelines, 2015. Collection method: clinical testing. Allele origin: germline. Affected: yes. Not counted in ClinVar's aggregate classification.